The following is an entry in ClinVar:

ClinVar aggregate classification (germline): Uncertain significance. Review status: criteria provided, multiple submitters, no conflicts (2 of 4 stars). 2 submissions from 2 submitters: Uncertain significance (2). Last evaluated 2025-06-26.

Conditions:
Neuropathy, hereditary sensory and autonomic, type 2A (HSAN2A). Also called: ACROOSTEOLYSIS, GIACCAI TYPE; ACROOSTEOLYSIS, NEUROGENIC; MORVAN DISEASE; NEUROPATHY, CONGENITAL SENSORY; NEUROPATHY, HEREDITARY SENSORY RADICULAR, AUTOSOMAL RECESSIVE; NEUROPATHY, HEREDITARY SENSORY, TYPE IIA. Identifiers: Orphanet 970, MedGen C2752089, MONDO:0024309, OMIM 201300.
Generalized epilepsy with febrile seizures plus, type 7 (GEFSP7). Also called: GEFS+, TYPE 7. Identifiers: Orphanet 36387, MedGen C2751778, MONDO:0013470, OMIM 613863.

gnomAD v4.1: 2 of 1,606,560 alleles (0.00012%); highest among the groups gnomAD compares: Non-Finnish European, 0.00017%; no homozygotes.

Submissions (2):

Labcorp Genetics (formerly Invitae), Labcorp
Classification: Uncertain significance for Neuropathy, hereditary sensory and autonomic, type 2A; Generalized epilepsy with febrile seizures plus, type 7. Last evaluated: 2025-06-26. Review status: criteria provided, single submitter. Criteria: Invitae Variant Classification Sherloc (09022015). Collection method: clinical testing. Allele origin: germline.
Comment: This sequence change replaces serine, which is neutral and polar, with threonine, which is neutral and polar, at codon 343 of the SCN9A protein (p.Ser343Thr). This variant is not present in population databases (gnomAD no frequency). This variant has not been reported in the literature in individuals affected with SCN9A-related conditions. ClinVar contains an entry for this variant (Variation ID: 2941424). Invitae Evidence Modeling of protein sequence and biophysical properties (such as structural, functional, and spatial information, amino acid conservation, physicochemical variation, residue mobility, and thermodynamic stability) indicates that this missense variant is not expected to disrupt SCN9A protein function with a negative predictive value of 95%. In summary, the available evidence is currently insufficient to determine the role of this variant in disease. Therefore, it has been classified as a Variant of Uncertain Significance.

GeneDx
Classification: Uncertain significance. Last evaluated: 2023-11-13. Review status: criteria provided, single submitter. Criteria: GeneDx Variant Classification Process June 2021. Collection method: clinical testing. Allele origin: germline. Affected: yes.
Comment: Not observed at significant frequency in large population cohorts (gnomAD); In silico analysis supports that this missense variant has a deleterious effect on protein structure/function; Has not been previously published as pathogenic or benign to our knowledge

NM_001365536.1(SCN9A):c.1028G>C (p.Ser343Thr)

Genes: SCN9A (sodium voltage-gated channel alpha subunit 9; minus strand), SCN1A-AS1 (SCN1A and SCN9A antisense RNA 1; plus strand). Cytogenetic location: 2q24.3.
Variant type: single nucleotide variant.
Coding change: c.1028G>C on transcript NM_001365536.1 (MANE Select); coding-DNA position 1028, G replaced by C.
Protein change: p.Ser343Thr; replaces serine 343 with threonine.
Molecular consequence: missense variant.
Genome position (GRCh38, 1-based): chr2:166,293,310, C>G on the plus strand (G>C on the coding strand, the complement: SCN9A is on the minus strand). VCF-style: chr2-166293310-C-G. GRCh37 (hg19) VCF-style: chr2-167149820-C-G.
Other names: c.1028G>C, p.Ser343Thr (NM_002977.4); short protein forms S343T.
Identifiers: ClinVar variation 2941424 (VCV002941424.4), dbSNP rs550153663, ClinGen allele CA349089137.